The following is an entry in ClinVar:

ClinVar aggregate classification (germline): Pathogenic (1 of 4 stars; one submission).

Conditions:
Autosomal recessive hypophosphatemic bone disease (HHRH). Also called: HYPERCALCIURIC RICKETS; Hypophosphatemic rickets with hypercalciuria. Identifiers: Orphanet 157215, MedGen C1853271, MONDO:0009431, OMIM 241530.

Submission:

Victorian Clinical Genetics Services, Murdoch Childrens Research Institute
Classification: Pathogenic for Autosomal recessive hypophosphatemic bone disease. Last evaluated: 2023-07-17. Review status: criteria provided, single submitter. Criteria: ACMG Guidelines, 2015. Collection method: clinical testing. Allele origin: germline. Inheritance: Autosomal recessive inheritance.
Comment: Based on the classification scheme VCGS_Germline_v1.3.4, this variant is classified as Pathogenic. Following criteria are met: 0102 - Loss of function is a known mechanism of disease in this gene and is associated with hypophosphatemic rickets with hypercalciuria (MIM#241530). (I) 0106 - This gene is associated with autosomal recessive disease. (I) 0115 - Variants in this gene are known to have variable expressivity. Approximately 45% of compound heterozygotes present with rickets (PMID: 32524022). (I) 0205 - Variant is predicted to result in a truncated protein (premature termination codon is NOT located at least 54 nucleotides upstream of the final exon-exon junction) with less than 1/3 of the protein sequence affected. (SP) 0251 - This variant is heterozygous. (I) 0304 - Variant is present in gnomAD <0.01 for a recessive condition (v2: 4 heterozygotes, 0 homozygotes). (SP) 0604 - Variant is not located in an established domain, motif, hotspot or informative constraint region. (I) 0702 - Other downstream truncating variants comparable to the one identified in this case have strong previous evidence for pathogenicity. At least three downstream truncating variants have been reported in individuals with hypophosphatemic rickets with hypercalciuria (MIM#241530) (Clinvar, PMID: 22387237). (SP) 0802 - This variant has moderate previous evidence of pathogenicity in unrelated individuals. It has been reported in one compound heterozygote family with 2 affecteds and classified as likely pathogenic and pathogenic by diagnostic laboratories in ClinVar (PMID: 31440709). (SP) 1007 - No published functional evidence has been identified for this variant. (I)\ Legend: (SP) - Supporting pathogenic, (I) - Information, (SB) - Supporting benign

Literature cited by the submitters: PubMed 22387237; PubMed 31440709; PubMed 32524022.

NM_001177316.2(SLC34A3):c.1622G>A (p.Trp541Ter)

Gene: SLC34A3 (solute carrier family 34 member 3; plus strand). Cytogenetic location: 9q34.3.
Variant type: single nucleotide variant.
Coding change: c.1622G>A on transcript NM_001177316.2 (MANE Select); coding-DNA position 1622, G replaced by A.
Protein change: p.Trp541Ter; replaces tryptophan 541 with a stop codon.
Molecular consequence: nonsense.
Genome position (GRCh38, 1-based): chr9:137,236,238, G>A. VCF-style: chr9-137236238-G-A. GRCh37 (hg19) VCF-style: chr9-140130690-G-A.
Other names: c.1622G>A, p.Trp541Ter (NM_001177317.2, NM_080877.3); short protein forms W541*.
Identifiers: ClinVar variation 3254619 (VCV003254619.1), dbSNP rs1017086601.